The following is an entry in ClinVar:

ClinVar aggregate classification (germline): Uncertain significance. Review status: criteria provided, multiple submitters, no conflicts (2 of 4 stars). 4 submissions from 4 submitters: Uncertain significance (4). Last evaluated 2025-07-21.

Conditions:
Hypophosphatemic rickets, autosomal recessive, 1 (ARHR1). Also called: HYPOPHOSPHATEMIA, AUTOSOMAL RECESSIVE. Identifiers: Orphanet 289176, MedGen C4551495, MONDO:0009430, OMIM 241520. Disease mechanism: loss of function.

Allele frequency attached by ClinVar (database versions not stated): gnomAD exomes 0.00002; ExAC 0.00012; ESP Exome Variant Server 0.00015; TOPMed 0.00032; gnomAD 0.00044; 1000 Genomes Project 0.00060; 1000 Genomes Project 30x 0.00078.

Submissions (4):

Labcorp Genetics (formerly Invitae), Labcorp
Classification: Uncertain significance. Last evaluated: 2025-07-21. Review status: criteria provided, single submitter. Criteria: Invitae Variant Classification Sherloc (09022015). Collection method: clinical testing. Allele origin: germline.
Comment: This sequence change replaces asparagine, which is neutral and polar, with serine, which is neutral and polar, at codon 498 of the DMP1 protein (p.Asn498Ser). This variant is present in population databases (rs373096835, gnomAD 0.09%). This variant has not been reported in the literature in individuals affected with DMP1-related conditions. ClinVar contains an entry for this variant (Variation ID: 2079270). Invitae Evidence Modeling of protein sequence and biophysical properties (such as structural, functional, and spatial information, amino acid conservation, physicochemical variation, residue mobility, and thermodynamic stability) indicates that this missense variant is expected to disrupt DMP1 protein function with a positive predictive value of 80%. In summary, the available evidence is currently insufficient to determine the role of this variant in disease. Therefore, it has been classified as a Variant of Uncertain Significance.

Fulgent Genetics
Classification: Uncertain significance for Hypophosphatemic rickets, autosomal recessive, 1. Last evaluated: 2024-04-19. Review status: criteria provided, single submitter. Criteria: ACMG Guidelines, 2015. Collection method: clinical testing. Allele origin: germline.

Revvity Omics, Revvity
Classification: Uncertain significance for Hypophosphatemic rickets, autosomal recessive, 1. Last evaluated: 2023-09-26. Review status: criteria provided, single submitter. Criteria: ACMG Guidelines, 2015. Collection method: clinical testing. Allele origin: germline.

Mayo Clinic Laboratories, Mayo Clinic
Classification: Uncertain significance. Last evaluated: 2023-04-03. Review status: criteria provided, single submitter. Criteria: ACMG Guidelines, 2015. Collection method: clinical testing. Allele origin: germline. Observed: 1 variant allele.

NM_004407.4(DMP1):c.1493A>G (p.Asn498Ser)

Genes: DMP1 (dentin matrix acidic phosphoprotein 1; plus strand), DMP1-AS1 (DMP1 and DSPP antisense RNA 1; minus strand). Cytogenetic location: 4q22.1.
Variant type: single nucleotide variant.
Coding change: c.1493A>G on transcript NM_004407.4 (MANE Select); coding-DNA position 1493, A replaced by G.
Protein change: p.Asn498Ser; replaces asparagine 498 with serine.
Molecular consequence: missense variant.
Genome position (GRCh38, 1-based): chr4:87,663,271, A>G. VCF-style: chr4-87663271-A-G. GRCh37 (hg19) VCF-style: chr4-88584423-A-G.
Other names: p.Asn498Ser; c.1445A>G, p.Asn482Ser (NM_001079911.3); short protein forms N498S, N482S.
Identifiers: ClinVar variation 2079270 (VCV002079270.5), dbSNP rs373096835, ClinGen allele CA3002212.